The following is an entry in ClinVar:

NM_005120.3(MED12):c.3820A>G (p.Ser1274Gly)

Gene: MED12 (mediator complex subunit 12; plus strand). Cytogenetic location: Xq13.1.
Variant type: single nucleotide variant.
Coding change: c.3820A>G on transcript NM_005120.3 (MANE Select); coding-DNA position 3820, A replaced by G.
Protein change: p.Ser1274Gly; replaces serine 1274 with glycine.
Molecular consequence: missense variant.
Genome position (GRCh38, 1-based): chrX:71,129,808, A>G. VCF-style: chrX-71129808-A-G. GRCh37 (hg19) VCF-style: chrX-70349658-A-G.
Other names: short protein forms S1274G.
Identifiers: ClinVar variation 1371616 (VCV001371616.8), dbSNP rs2147807641, ClinGen allele CA413522626.

ClinVar aggregate classification (germline): Uncertain significance (1 of 4 stars; one submission).

Conditions:
FG syndrome (FGS). Identifiers: MedGen C0220769, MONDO:0002010.

Submission:

Labcorp Genetics (formerly Invitae), Labcorp
Classification: Uncertain significance for FG syndrome. Last evaluated: 2021-07-16. Review status: criteria provided, single submitter. Criteria: Invitae Variant Classification Sherloc (09022015). Collection method: clinical testing. Allele origin: germline.
Comment: In summary, the available evidence is currently insufficient to determine the role of this variant in disease. Therefore, it has been classified as a Variant of Uncertain Significance. Algorithms developed to predict the effect of missense changes on protein structure and function are either unavailable or do not agree on the potential impact of this missense change (SIFT: "Deleterious"; PolyPhen-2: "Benign"; Align-GVGD: "Class C55"). This variant has not been reported in the literature in individuals affected with MED12-related conditions. This variant is not present in population databases (ExAC no frequency). This sequence change replaces serine with glycine at codon 1274 of the MED12 protein (p.Ser1274Gly). The serine residue is highly conserved and there is a small physicochemical difference between serine and glycine.